The following is an entry in ClinVar:

ClinVar aggregate classification (germline): Uncertain significance. Review status: criteria provided, multiple submitters, no conflicts (2 of 4 stars). 2 submissions from 2 submitters: Uncertain significance (2). Last evaluated 2025-05-08.

Conditions:
Vitamin D-dependent rickets type II with alopecia (VDDR2A). Also called: Vitamin D-dependent rickets, type 2A; GENERALIZED RESISTANCE TO 1,25-DIHYDROXYVITAMIN D; HYPOCALCEMIC VITAMIN D-RESISTANT RICKETS; PDDR IIA; PSEUDOVITAMIN D-DEFICIENCY, TYPE IIA; RICKETS, HEREDITARY VITAMIN D-RESISTANT. Identifiers: Orphanet 93160, MedGen C0342646, MONDO:0010186, OMIM 277440.

gnomAD v4.1: 21 of 1,614,098 alleles (0.0013%); highest among the groups gnomAD compares: Admixed American, 0.0083%; no homozygotes.

Submissions (2):

Labcorp Genetics (formerly Invitae), Labcorp
Classification: Uncertain significance. Last evaluated: 2025-05-08. Review status: criteria provided, single submitter. Criteria: Invitae Variant Classification Sherloc (09022015). Collection method: clinical testing. Allele origin: germline.
Comment: This sequence change replaces arginine, which is basic and polar, with glutamine, which is neutral and polar, at codon 110 of the VDR protein (p.Arg110Gln). This variant is present in population databases (rs756858031, gnomAD 0.009%). This variant has not been reported in the literature in individuals affected with VDR-related conditions. ClinVar contains an entry for this variant (Variation ID: 3574615). Invitae Evidence Modeling of protein sequence and biophysical properties (such as structural, functional, and spatial information, amino acid conservation, physicochemical variation, residue mobility, and thermodynamic stability) indicates that this missense variant is not expected to disrupt VDR protein function with a negative predictive value of 80%. In summary, the available evidence is currently insufficient to determine the role of this variant in disease. Therefore, it has been classified as a Variant of Uncertain Significance.

Fulgent Genetics
Classification: Uncertain significance for Vitamin D-dependent rickets type II with alopecia. Last evaluated: 2024-06-20. Review status: criteria provided, single submitter. Criteria: ACMG Guidelines, 2015. Collection method: clinical testing. Allele origin: germline.

NM_000376.3(VDR):c.329G>A (p.Arg110Gln)

Gene: VDR (vitamin D receptor; minus strand). Cytogenetic location: 12q13.11.
Variant type: single nucleotide variant.
Coding change: c.329G>A on transcript NM_000376.3 (MANE Select); coding-DNA position 329, G replaced by A.
Protein change: p.Arg110Gln; replaces arginine 110 with glutamine.
Molecular consequence: missense variant.
Genome position (GRCh38, 1-based): chr12:47,857,637, C>T on the plus strand (G>A on the coding strand, the complement: VDR is on the minus strand). VCF-style: chr12-47857637-C-T. GRCh37 (hg19) VCF-style: chr12-48251420-C-T.
Other names: c.329G>A, p.Arg110Gln (NM_001017535.2, NM_001364085.2, NM_001374661.1 and 1 more transcripts); c.479G>A, p.Arg160Gln (NM_001017536.2); c.329G>A (NM_001017535.1); short protein forms R110Q, R160Q.
Identifiers: ClinVar variation 3574615 (VCV003574615.2).